The following is an entry in ClinVar:

ClinVar aggregate classification (germline): Pathogenic (1 of 4 stars; one submission).

Conditions:
Ataxia-telangiectasia syndrome (AT). Also called: Ataxia-telangiectasia, complementation group D; AT, COMPLEMENTATION GROUP C; ATAXIA-TELANGIECTASIA, COMPLEMENTATION GROUP A; ATAXIA-TELANGIECTASIA, FRESNO VARIANT; Ataxia-telangiectasia; LOUIS-BAR SYNDROME. Identifiers: Orphanet 100, MedGen C0004135, MONDO:0008840, OMIM 208900.

Submission:

Labcorp Genetics (formerly Invitae), Labcorp
Classification: Pathogenic for Ataxia-telangiectasia syndrome. Last evaluated: 2018-12-07. Review status: criteria provided, single submitter. Criteria: Invitae Variant Classification Sherloc (09022015). Collection method: clinical testing. Allele origin: germline.
Comment: For these reasons, this variant has been classified as Pathogenic. Loss-of-function variants in ATM are known to be pathogenic (PMID: 23807571, 25614872). This variant has not been reported in the literature in individuals with ATM-related disease. This variant is not present in population databases (ExAC no frequency). This sequence change creates a premature translational stop signal (p.Met2504Asnfs*12) in the ATM gene. It is expected to result in an absent or disrupted protein product.

Literature cited by the submitters: PubMed 23807571; PubMed 25614872.

NM_000051.4(ATM):c.7510dup (p.Met2504fs)

Genes: C11orf65 (chromosome 11 open reading frame 65; minus strand), ATM (ATM serine/threonine kinase; plus strand). Cytogenetic location: 11q22.3.
Variant type: Duplication.
Coding change: c.7510dup on transcript NM_000051.4 (MANE Select); coding-DNA position 7510, one base duplicated (A; older notation c.7510dupA).
Protein change: p.Met2504fs; shifts the reading frame from methionine 2504.
Molecular consequence: frameshift variant. On other transcripts: intron variant (2).
Genome position (GRCh38, 1-based): chr11:108,330,416, A duplicated. VCF-style (leftmost placement, unchanged base first): chr11-108330415-G-GA. GRCh37 (hg19) VCF-style: chr11-108201142-G-GA.
Other names: c.7510dupA (NM_000051.3); c.7510dup, p.Met2504fs (NM_001351834.2); c.641-21345dup (NM_001330368.2); c.*38+4804dup (NM_001351110.2); short protein forms M2504fs.
Identifiers: ClinVar variation 648702 (VCV000648702.8), dbSNP rs1591161769, ClinGen allele CA915948286.